The following is an entry in ClinVar:

NM_001005242.3(PKP2):c.758G>A (p.Gly253Asp)

Gene: PKP2 (plakophilin 2; minus strand). Cytogenetic location: 12p11.21.
Variant type: single nucleotide variant.
Coding change: c.758G>A on transcript NM_001005242.3 (MANE Select); coding-DNA position 758, G replaced by A.
Protein change: p.Gly253Asp; replaces glycine 253 with aspartic acid.
Molecular consequence: missense variant.
Genome position (GRCh38, 1-based): chr12:32,878,122, C>T on the plus strand (G>A on the coding strand, the complement: PKP2 is on the minus strand). VCF-style: chr12-32878122-C-T. GRCh37 (hg19) VCF-style: chr12-33031056-C-T.
Other names: c.758G>A, p.Gly253Asp (NM_001407155.1, NM_001407156.1, NM_001407157.1 and 2 more transcripts); c.431G>A, p.Gly144Asp (NM_001407158.1, NM_001407159.1, NM_001407160.1 and 1 more transcripts); short protein forms G144D, G253D.
Identifiers: ClinVar variation 4758219 (VCV004758219.1).

ClinVar aggregate classification (germline): Uncertain significance (1 of 4 stars; one submission).

Conditions:
Cardiomyopathy (CMYO). Also called: Cardiomyopathies. Identifiers: Orphanet 167848, MedGen C0878544, MONDO:0004994, HP:0001638. Inheritance: Various modes of inheritance.

gnomAD v4.1: 3 of 1,614,252 alleles (0.00019%); highest among the groups gnomAD compares: Non-Finnish European, 0.00025%; no homozygotes.

Submission:

Color Diagnostics, LLC DBA Color Health
Classification: Uncertain significance for Cardiomyopathy. Last evaluated: 2025-10-21. Review status: criteria provided, single submitter. Criteria: ACMG Guidelines, 2015. Collection method: clinical testing. Allele origin: germline.
Comment: This missense variant replaces glycine with aspartic acid at codon 253 of the PKP2 protein. Computational prediction suggests that this variant may not impact protein structure and function. To our knowledge, functional studies have not been reported for this variant. This variant has not been reported in individuals affected with PKP2-related disorders in the literature. This variant has been identified in 3/1461882 chromosomes in the general population by the Genome Aggregation Database (gnomAD). The available evidence is insufficient to determine the role of this variant in disease conclusively. Therefore, this variant is classified as a Variant of Uncertain Significance.